The following is an entry in ClinVar:

NM_015046.7(SETX):c.1546G>T (p.Ala516Ser)

Gene: SETX (senataxin; minus strand). Cytogenetic location: 9q34.13.
Variant type: single nucleotide variant.
Coding change: c.1546G>T on transcript NM_015046.7 (MANE Select); coding-DNA position 1546, G replaced by T.
Protein change: p.Ala516Ser; replaces alanine 516 with serine.
Molecular consequence: missense variant.
Genome position (GRCh38, 1-based): chr9:132,330,052, C>A on the plus strand (G>T on the coding strand, the complement: SETX is on the minus strand). VCF-style: chr9-132330052-C-A. GRCh37 (hg19) VCF-style: chr9-135205439-C-A.
Other names: c.1546G>T, p.Ala516Ser (NM_001351527.2, NM_001351528.2); short protein forms A516S.
Identifiers: ClinVar variation 3352559 (VCV003352559.2).
Genomic context (GRCh38, chr9:132,330,052, plus strand): 5'-CATAAGCAAGTTGTACAGAGTTAGATGGCATGGAATGCAATGACAGTGAAGATATCATTG[C>A]TGTTCCTTTGGAGCAATTTCCAGATGATTTCTCAGAACTCCGTGTAAACGCAGTGGTAGG-3'
Protein context (NP_055861.3, residues 506-526): KSSGNCSKGT[Ala516Ser]MISSLSLHSM

ClinVar aggregate classification (germline): Uncertain significance. Review status: criteria provided, single submitter (1 of 4 stars). 2 submissions from 2 submitters: Uncertain significance (1). 1 of the submissions does not count toward it. Last evaluated 2025-08-07.

Conditions:
SETX-related disorder. Also called: SETX-related condition; SETX-related disorders. Identifiers: MedGen CN239403.
Inborn genetic diseases. Identifiers: MedGen C0950123, MeSH D030342.

gnomAD v4.1: 6 of 1,614,128 alleles (0.00037%); highest among the groups gnomAD compares: Non-Finnish European, 0.00051%; no homozygotes.

Submissions (2):

Ambry Genetics
Classification: Uncertain significance for Inborn genetic diseases. Last evaluated: 2025-08-07. Review status: criteria provided, single submitter. Criteria: Ambry Variant Classification Scheme 2023. Collection method: clinical testing. Allele origin: germline.

PreventionGenetics, part of Exact Sciences
Classification: Uncertain significance for SETX-related condition. Last evaluated: 2024-07-09. Review status: no assertion criteria provided. Collection method: clinical testing. Allele origin: germline. Not counted in ClinVar's aggregate classification.
Comment: The SETX c.1546G>T variant is predicted to result in the amino acid substitution p.Ala516Ser. To our knowledge, this variant has not been reported in the literature. This variant is reported in 0.0065% of alleles in individuals of European (Non-Finnish) descent in gnomAD. At this time, the clinical significance of this variant is uncertain due to the absence of conclusive functional and genetic evidence.